The following is an entry in ClinVar:

ClinVar aggregate classification (germline): Uncertain significance (1 of 4 stars; one submission).

Submission:

Labcorp Genetics (formerly Invitae), Labcorp
Classification: Uncertain significance. Last evaluated: 2022-05-17. Review status: criteria provided, single submitter. Criteria: Invitae Variant Classification Sherloc (09022015). Collection method: clinical testing. Allele origin: germline.
Comment: This sequence change replaces tyrosine, which is neutral and polar, with phenylalanine, which is neutral and non-polar, at codon 388 of the REL protein (p.Tyr388Phe). In summary, the available evidence is currently insufficient to determine the role of this variant in disease. Therefore, it has been classified as a Variant of Uncertain Significance. Algorithms developed to predict the effect of missense changes on protein structure and function output the following: SIFT: "Deleterious"; PolyPhen-2: "Possibly Damaging"; Align-GVGD: "Class C0". The phenylalanine amino acid residue is found in multiple mammalian species, which suggests that this missense change does not adversely affect protein function. This variant has not been reported in the literature in individuals affected with REL-related conditions. This variant is not present in population databases (gnomAD no frequency).

NM_001291746.2(REL):c.1067A>T (p.Tyr356Phe)

Gene: REL (REL proto-oncogene, NF-kB subunit; plus strand). Cytogenetic location: 2p16.1.
Variant type: single nucleotide variant.
Coding change: c.1067A>T on transcript NM_001291746.2 (MANE Select); coding-DNA position 1067, A replaced by T.
Protein change: p.Tyr356Phe; replaces tyrosine 356 with phenylalanine.
Molecular consequence: missense variant.
Genome position (GRCh38, 1-based): chr2:60,921,838, A>T. VCF-style: chr2-60921838-A-T. GRCh37 (hg19) VCF-style: chr2-61148973-A-T.
Other names: c.1163A>T, p.Tyr388Phe (NM_002908.4); short protein forms Y356F, Y388F.
Identifiers: ClinVar variation 2078876 (VCV002078876.3), dbSNP rs200515155, ClinGen allele CA347043984.
Genomic context (GRCh38, chr2:60,921,838, plus strand): 5'-CTCATGATGCAGTTGTGAGAGAAATGCCTACAGGGGTTTCAAGTCAAGCAGAATCCTACT[A>T]TCCCTCACCTGGGCCCATCTCAAGTGGATTGTCACATCATGCCTCAATGGCACCTCTGCC-3'
Protein context (NP_001278675.1, residues 346-366): TGVSSQAESY[Tyr356Phe]PSPGPISSGL